The following is an entry in ClinVar:

ClinVar aggregate classification (germline): Conflicting classifications of pathogenicity. Review status: criteria provided, conflicting classifications (1 of 4 stars). 2 submissions from 2 submitters: Uncertain significance (1); Benign (1). Last evaluated 2024-10-18.

Conditions:
Melnick-Needles syndrome (MNS). Also called: MELNICK-NEEDLES OSTEODYSPLASTY; OSTEODYSPLASTY OF MELNICK AND NEEDLES; Melnick-Needles Syndrome (FLNA-MNS). Identifiers: Orphanet 2484, MedGen C0025237, MONDO:0010650, OMIM 309350.
Frontometaphyseal dysplasia (FMD1). Identifiers: MONDO:0015942, Orphanet 1826, MedGen C0265293.
Oto-palato-digital syndrome, type II (OPD2). Also called: Otopalatodigital Syndrome, Type II; FACIOPALATOOSSEOUS SYNDROME; OPD II SYNDROME; Otopalatodigital Syndrome Type 2 (FLNA-OPD2). Identifiers: Orphanet 669, Orphanet 90652, MedGen C1844696, MONDO:0010571, OMIM 304120.
Heterotopia, periventricular, X-linked dominant (PVNH1). Also called: X-linked periventricular heterotopia; PERIVENTRICULAR NODULAR HETEROTOPIA 4; HETEROTOPIA, PERIVENTRICULAR, 1; PERIVENTRICULAR NODULAR HETEROTOPIA 1. Identifiers: Orphanet 2149, Orphanet 82004, MedGen C1848213, MONDO:0010233, OMIM 300049.

Allele frequency attached by ClinVar (database versions not stated): ExAC 0.00001; gnomAD exomes 0.00004.
gnomAD v4.1: 18 of 1,211,635 alleles (0.0015%); highest among the groups gnomAD compares: South Asian, 0.03%; 1 homozygote.

Submissions (2):

Labcorp Genetics (formerly Invitae), Labcorp
Classification: Benign for Oto-palato-digital syndrome, type II; Heterotopia, periventricular, X-linked dominant; Frontometaphyseal dysplasia; Melnick-Needles syndrome. Last evaluated: 2024-10-18. Review status: criteria provided, single submitter. Criteria: Invitae Variant Classification Sherloc (09022015). Collection method: clinical testing. Allele origin: germline.

GeneDx
Classification: Uncertain significance. Last evaluated: 2020-06-26. Review status: criteria provided, single submitter. Criteria: GeneDx Variant Classification Process June 2021. Collection method: clinical testing. Allele origin: germline. Affected: yes.
Comment: In silico analysis supports that this missense variant has a deleterious effect on protein structure/function; Has not been previously published as pathogenic or benign to our knowledge

NM_001110556.2(FLNA):c.5870C>G (p.Ser1957Cys)

Gene: FLNA (filamin A; minus strand). Cytogenetic location: Xq28.
Variant type: single nucleotide variant.
Coding change: c.5870C>G on transcript NM_001110556.2 (MANE Select); coding-DNA position 5870, C replaced by G.
Protein change: p.Ser1957Cys; replaces serine 1957 with cysteine.
Molecular consequence: missense variant.
Genome position (GRCh38, 1-based): chrX:154,353,448, G>C on the plus strand (C>G on the coding strand, the complement: FLNA is on the minus strand). VCF-style: chrX-154353448-G-C. GRCh37 (hg19) VCF-style: chrX-153581816-G-C.
Other names: c.5846C>G, p.Ser1949Cys (NM_001456.4); short protein forms S1949C, S1957C.
Identifiers: ClinVar variation 1312841 (VCV001312841.6), dbSNP rs781962741, ClinGen allele CA10560208.